The following is an entry in ClinVar:

ClinVar aggregate classification (germline): Uncertain significance (1 of 4 stars; one submission).

Submission:

Labcorp Genetics (formerly Invitae), Labcorp
Classification: Uncertain significance. Last evaluated: 2021-12-03. Review status: criteria provided, single submitter. Criteria: Invitae Variant Classification Sherloc (09022015). Collection method: clinical testing. Allele origin: germline.
Comment: This sequence change falls in intron 21 of the DOCK6 gene. It does not directly change the encoded amino acid sequence of the DOCK6 protein. It affects a nucleotide within the consensus splice site. This variant is not present in population databases (gnomAD no frequency). This variant has not been reported in the literature in individuals affected with DOCK6-related conditions. Variants that disrupt the consensus splice site are a relatively common cause of aberrant splicing (PMID: 17576681, 9536098). Algorithms developed to predict the effect of sequence changes on RNA splicing suggest that this variant may disrupt the consensus splice site. In summary, the available evidence is currently insufficient to determine the role of this variant in disease. Therefore, it has been classified as a Variant of Uncertain Significance.

Literature cited by the submitters: PubMed 17576681; PubMed 9536098.

NM_020812.4(DOCK6):c.2554+3_2554+6del

Gene: DOCK6 (dedicator of cytokinesis 6; minus strand). Cytogenetic location: 19p13.2.
Variant type: Deletion.
Coding change: c.2554+3_2554+6del on transcript NM_020812.4 (MANE Select); bases 3 to 6 of the intron after coding-DNA position 2554, 4 bases deleted (GAGT; older notation c.2554+3_2554+6delGAGT).
Molecular consequence: splice donor variant.
Genome position (GRCh38, 1-based): chr19:11,235,592-11,235,595, ACTC deleted on the plus strand (GAGT on the coding strand, the reverse complement: DOCK6 is on the minus strand); deleting any 4 consecutive bases within chr19:11,235,592-11,235,597 gives the same sequence; the c. name uses the placement nearest the transcript's 3' end. VCF-style (leftmost placement, unchanged base first): chr19-11235591-AACTC-A. GRCh37 (hg19) VCF-style: chr19-11346267-AACTC-A.
Other names: c.2554+3_2554+6del (NM_001367830.1).
Identifiers: ClinVar variation 1353514 (VCV001353514.6), dbSNP rs2079832674, ClinGen allele CA2322833472.